The following is an entry in ClinVar:

ClinVar aggregate classification (germline): Uncertain significance (1 of 4 stars; one submission).

Conditions:
Charcot-Marie-Tooth disease dominant intermediate C (CMTDIC). Also called: CHARCOT-MARIE-TOOTH NEUROPATHY, DOMINANT INTERMEDIATE C. Identifiers: Orphanet 100045, MedGen C1842237, MONDO:0012012, OMIM 608323.

Allele frequency attached by ClinVar (database versions not stated): gnomAD exomes below 0.00001 and 0.00001; TOPMed 0.00001.

Submission:

Labcorp Genetics (formerly Invitae), Labcorp
Classification: Uncertain significance for Charcot-Marie-Tooth disease dominant intermediate C. Last evaluated: 2024-04-29. Review status: criteria provided, single submitter. Criteria: Invitae Variant Classification Sherloc (09022015). Collection method: clinical testing. Allele origin: germline.
Comment: This sequence change replaces alanine, which is neutral and non-polar, with valine, which is neutral and non-polar, at codon 201 of the YARS protein (p.Ala201Val). This variant is present in population databases (no rsID available, gnomAD 0.02%). This variant has not been reported in the literature in individuals affected with YARS-related conditions. ClinVar contains an entry for this variant (Variation ID: 1021266). Advanced modeling of protein sequence and biophysical properties (such as structural, functional, and spatial information, amino acid conservation, physicochemical variation, residue mobility, and thermodynamic stability) performed at Invitae indicates that this missense variant is not expected to disrupt YARS protein function with a negative predictive value of 80%. In summary, the available evidence is currently insufficient to determine the role of this variant in disease. Therefore, it has been classified as a Variant of Uncertain Significance.

NM_003680.4(YARS1):c.602C>T (p.Ala201Val)

Gene: YARS1 (tyrosyl-tRNA synthetase 1; minus strand). Cytogenetic location: 1p35.1.
Variant type: single nucleotide variant.
Coding change: c.602C>T on transcript NM_003680.4 (MANE Select); coding-DNA position 602, C replaced by T.
Protein change: p.Ala201Val; replaces alanine 201 with valine.
Molecular consequence: missense variant.
Genome position (GRCh38, 1-based): chr1:32,791,244, G>A on the plus strand (C>T on the coding strand, the complement: YARS1 is on the minus strand). VCF-style: chr1-32791244-G-A. GRCh37 (hg19) VCF-style: chr1-33256845-G-A.
Other names: short protein forms A201V.
Identifiers: ClinVar variation 1021266 (VCV001021266.7), dbSNP rs1380442148, ClinGen allele CA339686453.